The following is an entry in ClinVar:

NM_006514.4(SCN10A):c.1663C>T (p.Pro555Ser)

Gene: SCN10A (sodium voltage-gated channel alpha subunit 10; minus strand). Cytogenetic location: 3p22.2.
Variant type: single nucleotide variant.
Coding change: c.1663C>T on transcript NM_006514.4 (MANE Select); coding-DNA position 1663, C replaced by T.
Protein change: p.Pro555Ser; replaces proline 555 with serine.
Molecular consequence: missense variant. On other transcripts: intron variant (1).
Genome position (GRCh38, 1-based): chr3:38,752,311, G>A on the plus strand (C>T on the coding strand, the complement: SCN10A is on the minus strand). VCF-style: chr3-38752311-G-A. GRCh37 (hg19) VCF-style: chr3-38793802-G-A.
Other names: c.1462-2127C>T (NM_001293307.2); c.1663C>T, p.Pro555Ser (NM_001293306.2); short protein forms P555S.
Identifiers: ClinVar variation 1777528 (VCV001777528.2), dbSNP rs2063755699, ClinGen allele CA352167264.

ClinVar aggregate classification (germline): Uncertain significance (1 of 4 stars; one submission).

Conditions:
Cardiovascular phenotype. Identifiers: MedGen CN230736.

Allele frequency attached by ClinVar (database versions not stated): gnomAD exomes below 0.00001.
gnomAD v4.1: 2 of 1,610,930 alleles (0.00012%); highest among the groups gnomAD compares: African/African-American, 0.0013%; no homozygotes.

Submission:

Ambry Genetics
Classification: Uncertain significance for Cardiovascular phenotype. Last evaluated: 2020-07-23. Review status: criteria provided, single submitter. Criteria: Ambry Variant Classification Scheme 2023. Collection method: clinical testing. Allele origin: germline.
Comment: The p.P555S variant (also known as c.1663C>T), located in coding exon 11 of the SCN10A gene, results from a C to T substitution at nucleotide position 1663. The proline at codon 555 is replaced by serine, an amino acid with similar properties. This amino acid position is not well conserved in available vertebrate species, and serine is the reference amino acid in other vertebrate species. In addition, this alteration is predicted to be tolerated by in silico analysis. Since supporting evidence is limited at this time, the clinical significance of this alteration remains unclear.